The following is an entry in ClinVar:

NM_004744.5(LRAT):c.384C>G (p.Asp128Glu)

Gene: LRAT (lecithin retinol acyltransferase; plus strand). Cytogenetic location: 4q32.1.
Variant type: single nucleotide variant.
Coding change: c.384C>G on transcript NM_004744.5 (MANE Select); coding-DNA position 384, C replaced by G.
Protein change: p.Asp128Glu; replaces aspartic acid 128 with glutamic acid.
Molecular consequence: missense variant.
Genome position (GRCh38, 1-based): chr4:154,744,710, C>G. VCF-style: chr4-154744710-C-G. GRCh37 (hg19) VCF-style: chr4-155665862-C-G.
Other names: c.384C>G, p.Asp128Glu (NM_001301645.2); c.384C>G (NM_004744.4); short protein forms D128E.
Identifiers: ClinVar variation 1983381 (VCV001983381.2), dbSNP rs1029329083, ClinGen allele CA108930219.

ClinVar aggregate classification (germline): Uncertain significance. Review status: criteria provided, single submitter (1 of 4 stars). 2 submissions from 2 submitters: Uncertain significance (1). 1 of the submissions does not count toward it. Last evaluated 2022-04-23.

Conditions:
LRAT-related disorder. Also called: LRAT-related condition.

Allele frequency attached by ClinVar (database versions not stated): TOPMed below 0.00001; gnomAD 0.00001.
gnomAD v4.1: 2 of 1,614,064 alleles (0.00012%); highest among the groups gnomAD compares: Admixed American, 0.0017%; no homozygotes.

Submissions (2):

Labcorp Genetics (formerly Invitae), Labcorp
Classification: Uncertain significance. Last evaluated: 2022-04-23. Review status: criteria provided, single submitter. Criteria: Invitae Variant Classification Sherloc (09022015). Collection method: clinical testing. Allele origin: germline.
Comment: This sequence change replaces aspartic acid, which is acidic and polar, with glutamic acid, which is acidic and polar, at codon 128 of the LRAT protein (p.Asp128Glu). This variant is not present in population databases (gnomAD no frequency). This variant has not been reported in the literature in individuals affected with LRAT-related conditions. Algorithms developed to predict the effect of missense changes on protein structure and function (SIFT, PolyPhen-2, Align-GVGD) all suggest that this variant is likely to be disruptive. In summary, the available evidence is currently insufficient to determine the role of this variant in disease. Therefore, it has been classified as a Variant of Uncertain Significance.

PreventionGenetics, part of Exact Sciences
Classification: Uncertain significance for LRAT-related condition. Last evaluated: 2024-08-15. Review status: no assertion criteria provided. Collection method: clinical testing. Allele origin: germline. Not counted in ClinVar's aggregate classification.
Comment: The LRAT c.384C>G variant is predicted to result in the amino acid substitution p.Asp128Glu. To our knowledge, this variant has not been reported in the literature or in a large population database, indicating this variant is rare. At this time, the clinical significance of this variant is uncertain due to the absence of conclusive functional and genetic evidence.